The following is an entry in ClinVar:

ClinVar aggregate classification (germline): Uncertain significance. Review status: criteria provided, multiple submitters, no conflicts (2 of 4 stars). 3 submissions from 3 submitters: Uncertain significance (3). Last evaluated 2025-06-20.

Conditions:
Familial isolated arrhythmogenic right ventricular dysplasia. Identifiers: Orphanet 217656, MedGen C4274968, MONDO:0016342.
Cardiomyopathy (CMYO). Also called: Cardiomyopathies. Identifiers: Orphanet 167848, MedGen C0878544, MONDO:0004994, HP:0001638. Inheritance: Various modes of inheritance.
Arrhythmogenic right ventricular dysplasia 11. Also called: ARRHYTHMOGENIC RIGHT VENTRICULAR DYSPLASIA, FAMILIAL, 11; Arrhythmogenic Right Ventricular Dysplasia/Cardiomyopathy11; Arrhythmogenic right ventricular dysplasia 11 with mild palmoplantar keratoderma and woolly hair. Identifiers: MedGen C1864850, MONDO:0012506, OMIM 610476.

Allele frequency attached by ClinVar (database versions not stated): gnomAD 0.00001; gnomAD exomes below 0.00001; TOPMed 0.00002.
gnomAD v4.1: 3 of 1,612,530 alleles (0.00019%); highest among the groups gnomAD compares: East Asian, 0.0046%; no homozygotes.

Submissions (3):

Color Diagnostics, LLC DBA Color Health
Classification: Uncertain significance for Cardiomyopathy. Last evaluated: 2025-06-20. Review status: criteria provided, single submitter. Criteria: ACMG Guidelines, 2015. Collection method: clinical testing. Allele origin: germline.
Comment: This missense variant replaces glycine with arginine at codon 790 of the DSC2 protein. Computational prediction suggests that this variant may not impact protein structure and function. To our knowledge, functional studies have not been reported for this variant. This variant has been reported in an individual affected with arrhythmogenic right ventricular cardiomyopathy and sudden cardiac death (PMID: 30670673) This variant has been identified in 1/251098 chromosomes in the general population by the Genome Aggregation Database (gnomAD). The available evidence is insufficient to determine the role of this variant in disease conclusively. Therefore, this variant is classified as a Variant of Uncertain Significance.

Labcorp Genetics (formerly Invitae), Labcorp
Classification: Uncertain significance for Arrhythmogenic right ventricular dysplasia 11. Last evaluated: 2024-02-16. Review status: criteria provided, single submitter. Criteria: Invitae Variant Classification Sherloc (09022015). Collection method: clinical testing. Allele origin: germline.
Comment: This sequence change replaces glycine, which is neutral and non-polar, with arginine, which is basic and polar, at codon 790 of the DSC2 protein (p.Gly790Arg). This variant is present in population databases (no rsID available, gnomAD 0.006%). This missense change has been observed in individual(s) with sudden cardiac death (PMID: 30670673). ClinVar contains an entry for this variant (Variation ID: 923371). Advanced modeling of protein sequence and biophysical properties (such as structural, functional, and spatial information, amino acid conservation, physicochemical variation, residue mobility, and thermodynamic stability) performed at Invitae indicates that this missense variant is not expected to disrupt DSC2 protein function with a negative predictive value of 80%. In summary, the available evidence is currently insufficient to determine the role of this variant in disease. Therefore, it has been classified as a Variant of Uncertain Significance.

All of Us Research Program, National Institutes of Health
Classification: Uncertain significance for Familial isolated arrhythmogenic right ventricular dysplasia. Last evaluated: 2023-04-27. Review status: criteria provided, single submitter. Criteria: ACMG Guidelines, 2015. Collection method: clinical testing. Allele origin: germline. Inheritance: Autosomal dominant inheritance. Observed: 2 variant alleles, 2 heterozygotes.
Comment: This missense variant replaces glycine with arginine at codon 790 of the DSC2 protein. Computational prediction suggests that this variant may not impact protein structure and function (internally defined REVEL score threshold <= 0.5, PMID: 27666373). Splice site prediction tools suggest that this variant may not impact RNA splicing. To our knowledge, functional studies have not been performed for this variant. This variant has been reported in an individual affected with arrhythmogenic right ventricular cardiomyopathy and sudden cardiac death (PMID: 30670673) This variant has been identified in 1/251098 chromosomes in the general population by the Genome Aggregation Database (gnomAD). The available evidence is insufficient to determine the role of this variant in disease conclusively. Therefore, this variant is classified as a Variant of Uncertain Significance.

This study involves interpretation of variants in research participants for the purpose of population health screening. Participant phenotype was not available at the time of variant classification. Additional details can be found in publication PMID: 35346344, PMCID: PMC8962531

Literature cited by the submitters: PubMed 30670673 (cited by 3 submitters).

NM_024422.6(DSC2):c.2368G>A (p.Gly790Arg)

Gene: DSC2 (desmocollin 2; minus strand). Cytogenetic location: 18q12.1.
Variant type: single nucleotide variant.
Coding change: c.2368G>A on transcript NM_024422.6 (MANE Select); coding-DNA position 2368, G replaced by A.
Protein change: p.Gly790Arg; replaces glycine 790 with arginine.
Molecular consequence: missense variant.
Genome position (GRCh38, 1-based): chr18:31,069,034, C>T on the plus strand (G>A on the coding strand, the complement: DSC2 is on the minus strand). VCF-style: chr18-31069034-C-T. GRCh37 (hg19) VCF-style: chr18-28649000-C-T.
Other names: c.2368G>A, p.Gly790Arg (NM_004949.5); short protein forms G790R.
Identifiers: ClinVar variation 923371 (VCV000923371.8), dbSNP rs1335955296, ClinGen allele CA402111637.
Genomic context (GRCh38, chr18:31,069,034, plus strand): 5'-TGCAGGAGTCCAGGGTGTGATGGTGGCCAGCCCCCCGGCAGGATTCCGAGGTCTGGTGTC[C>T]TCCTTTCACCATTTCGATGGTCTCCTGACCTCCGTTTTTGATTCCTGATCCCACGGTGCC-3'
Protein context (NP_077740.1, residues 780-800): GQETIEMVKG[Gly790Arg]HQTSESCRGA